The following is an entry in ClinVar:

ClinVar aggregate classification (germline): Uncertain significance. Review status: criteria provided, multiple submitters, no conflicts (2 of 4 stars). 2 submissions from 2 submitters: Uncertain significance (2). Last evaluated 2023-01-01.

Conditions:
Hereditary sensory neuropathy-deafness-dementia syndrome. Also called: NEUROPATHY, HEREDITARY SENSORY, WITH HEARING LOSS AND DEMENTIA; Hereditary Sensory and Autonomic Neuropathy Type 1E (HSAN1E); Hereditary sensory neuropathy type IE; HSN IE. Identifiers: Orphanet 456318, MedGen C3279885, MONDO:0013584, OMIM 614116.

Allele frequency attached by ClinVar (database versions not stated): ExAC 0.00001; gnomAD exomes 0.00001 and 0.00002; gnomAD 0.00002; TOPMed 0.00003.
gnomAD v4.1: 29 of 1,614,084 alleles (0.0018%); highest among the groups gnomAD compares: East Asian, 0.0045%; no homozygotes.

Submissions (2):

Labcorp Genetics (formerly Invitae), Labcorp
Classification: Uncertain significance for Hereditary sensory neuropathy-deafness-dementia syndrome. Last evaluated: 2023-01-01. Review status: criteria provided, single submitter. Criteria: Invitae Variant Classification Sherloc (09022015). Collection method: clinical testing. Allele origin: germline.
Comment: In summary, the available evidence is currently insufficient to determine the role of this variant in disease. Therefore, it has been classified as a Variant of Uncertain Significance. Advanced modeling of protein sequence and biophysical properties (such as structural, functional, and spatial information, amino acid conservation, physicochemical variation, residue mobility, and thermodynamic stability) performed at Invitae indicates that this missense variant is not expected to disrupt DNMT1 protein function. ClinVar contains an entry for this variant (Variation ID: 450653). This variant has not been reported in the literature in individuals affected with DNMT1-related conditions. This variant is present in population databases (rs751902349, gnomAD 0.006%). This sequence change replaces arginine, which is basic and polar, with glutamine, which is neutral and polar, at codon 617 of the DNMT1 protein (p.Arg617Gln).

GeneDx
Classification: Uncertain significance. Last evaluated: 2020-11-25. Review status: criteria provided, single submitter. Criteria: GeneDx Variant Classification Process June 2021. Collection method: clinical testing. Allele origin: germline. Affected: yes.
Comment: In silico analysis supports that this missense variant does not alter protein structure/function; Has not been previously published as pathogenic or benign to our knowledge

NM_001130823.3(DNMT1):c.1850G>A (p.Arg617Gln)

Gene: DNMT1 (DNA methyltransferase 1; minus strand). Cytogenetic location: 19p13.2.
Variant type: single nucleotide variant.
Coding change: c.1850G>A on transcript NM_001130823.3 (MANE Select); coding-DNA position 1850, G replaced by A.
Protein change: p.Arg617Gln; replaces arginine 617 with glutamine.
Molecular consequence: missense variant.
Genome position (GRCh38, 1-based): chr19:10,154,462, C>T on the plus strand (G>A on the coding strand, the complement: DNMT1 is on the minus strand). VCF-style: chr19-10154462-C-T. GRCh37 (hg19) VCF-style: chr19-10265138-C-T.
Other names: c.1850G>A (LRG_362t1); c.1802G>A, p.Arg601Gln (NM_001318730.2, NM_001379.4); c.1487G>A, p.Arg496Gln (NM_001318731.2); short protein forms R617Q, R496Q, R601Q.
Identifiers: ClinVar variation 450653 (VCV000450653.6), dbSNP rs751902349, ClinGen allele CA9188178.